The following is an entry in ClinVar:

ClinVar aggregate classification (germline): Likely benign. Review status: criteria provided, multiple submitters, no conflicts (2 of 4 stars). 2 submissions from 2 submitters: Likely benign (2). Last evaluated 2025-10-01.

Allele frequency attached by ClinVar (database versions not stated): gnomAD exomes 0.00003 and 0.00006; ExAC 0.00008; TOPMed 0.00015; gnomAD 0.00019 and 0.00021.
gnomAD v4.1: 73 of 1,613,870 alleles (0.0045%); highest among the groups gnomAD compares: African/African-American, 0.081%; no homozygotes.

Submissions (2):

CeGaT Center for Human Genetics Tuebingen
Classification: Likely benign. Last evaluated: 2025-10-01. Review status: criteria provided, single submitter. Criteria: CeGaT Center For Human Genetics Tuebingen Variant Classification Criteria Version 2. Collection method: clinical testing. Allele origin: germline. Affected: yes. Observed: 1 variant allele.
Comment: FRMD4A: BP4, BP7

Labcorp Genetics (formerly Invitae), Labcorp
Classification: Likely benign. Last evaluated: 2019-12-31. Review status: criteria provided, single submitter. Criteria: Invitae Variant Classification Sherloc (09022015). Collection method: clinical testing. Allele origin: germline.

NM_018027.5(FRMD4A):c.907T>C (p.Leu303=)

Gene: FRMD4A (FERM domain containing 4A; minus strand). Cytogenetic location: 10p13.
Variant type: single nucleotide variant.
Coding change: c.907T>C on transcript NM_018027.5 (MANE Select); coding-DNA position 907, T replaced by C.
Protein change: p.Leu303=; no amino-acid change (leucine 303 retained).
Molecular consequence: synonymous variant. On other transcripts: 5 prime UTR variant (1).
Genome position (GRCh38, 1-based): chr10:13,701,408, A>G on the plus strand (T>C on the coding strand, the complement: FRMD4A is on the minus strand). VCF-style: chr10-13701408-A-G. GRCh37 (hg19) VCF-style: chr10-13743408-A-G.
Other names: c.955T>C, p.Leu319= (NM_001318336.2); c.1006T>C, p.Leu336= (NM_001318337.2); c.-21T>C (NM_001318338.2).
Identifiers: ClinVar variation 734614 (VCV000734614.10), dbSNP rs780143653, ClinGen allele CA5414569.